The following is an entry in ClinVar:

ClinVar aggregate classification (germline): Uncertain significance. Review status: criteria provided, multiple submitters, no conflicts (2 of 4 stars). 3 submissions from 3 submitters: Uncertain significance (3). Last evaluated 2025-03-31.

Conditions:
Brugada syndrome 7 (BRGDA7). Identifiers: Orphanet 130, MedGen C2751088, MONDO:0013146, OMIM 613120.
Cardiovascular phenotype. Identifiers: MedGen CN230736.

Allele frequency attached by ClinVar (database versions not stated): ESP Exome Variant Server 0.00008; gnomAD exomes 0.00001; gnomAD 0.00002; TOPMed 0.00002.
gnomAD v4.1: 21 of 1,613,766 alleles (0.0013%); highest among the groups gnomAD compares: East Asian, 0.0045%; no homozygotes.

Submissions (3):

Labcorp Genetics (formerly Invitae), Labcorp
Classification: Uncertain significance for Brugada syndrome 7. Last evaluated: 2025-03-31. Review status: criteria provided, single submitter. Criteria: Invitae Variant Classification Sherloc (09022015). Collection method: clinical testing. Allele origin: germline.
Comment: This sequence change replaces arginine, which is basic and polar, with glutamine, which is neutral and polar, at codon 78 of the SCN3B protein (p.Arg78Gln). This variant is present in population databases (rs375545539, gnomAD 0.01%). This variant has not been reported in the literature in individuals affected with SCN3B-related conditions. ClinVar contains an entry for this variant (Variation ID: 1436068). An algorithm developed to predict the effect of missense changes on protein structure and function (PolyPhen-2) suggests that this variant is likely to be tolerated. In summary, the available evidence is currently insufficient to determine the role of this variant in disease. Therefore, it has been classified as a Variant of Uncertain Significance.

Ambry Genetics
Classification: Uncertain significance for Cardiovascular phenotype. Last evaluated: 2022-12-14. Review status: criteria provided, single submitter. Criteria: Ambry Variant Classification Scheme 2023. Collection method: clinical testing. Allele origin: germline.
Comment: The p.R78Q variant (also known as c.233G>A), located in coding exon 3 of the SCN3B gene, results from a G to A substitution at nucleotide position 233. The arginine at codon 78 is replaced by glutamine, an amino acid with highly similar properties. This amino acid position is well conserved in available vertebrate species. In addition, this alteration is predicted to be tolerated by in silico analysis. Since supporting evidence is limited at this time, the clinical significance of this alteration remains unclear.

Fulgent Genetics
Classification: Uncertain significance for Brugada syndrome 7. Last evaluated: 2021-09-13. Review status: criteria provided, single submitter. Criteria: ACMG Guidelines, 2015. Collection method: clinical testing. Allele origin: unknown.

NM_001040151.2(SCN3B):c.233G>A (p.Arg78Gln)

Gene: SCN3B (sodium voltage-gated channel beta subunit 3; minus strand). Cytogenetic location: 11q24.1.
Variant type: single nucleotide variant.
Coding change: c.233G>A on transcript NM_001040151.2 (MANE Select); coding-DNA position 233, G replaced by A.
Protein change: p.Arg78Gln; replaces arginine 78 with glutamine.
Molecular consequence: missense variant.
Genome position (GRCh38, 1-based): chr11:123,642,658, C>T on the plus strand (G>A on the coding strand, the complement: SCN3B is on the minus strand). VCF-style: chr11-123642658-C-T. GRCh37 (hg19) VCF-style: chr11-123513366-C-T.
Other names: c.233G>A, p.Arg78Gln (NM_018400.4); short protein forms R78Q.
Identifiers: ClinVar variation 1436068 (VCV001436068.9), dbSNP rs375545539, ClinGen allele CA229984081.